The following is an entry in ClinVar:

NM_004333.6(BRAF):c.231A>G (p.Ile77Met)

Gene: BRAF (B-Raf proto-oncogene, serine/threonine kinase; minus strand). Cytogenetic location: 7q34.
Variant type: single nucleotide variant.
Coding change: c.231A>G on transcript NM_004333.6 (MANE Select); coding-DNA position 231, A replaced by G.
Protein change: p.Ile77Met; replaces isoleucine 77 with methionine.
Molecular consequence: missense variant. On other transcripts: intron variant (1).
Genome position (GRCh38, 1-based): chr7:140,850,120, T>C on the plus strand (A>G on the coding strand, the complement: BRAF is on the minus strand). VCF-style: chr7-140850120-T-C. GRCh37 (hg19) VCF-style: chr7-140549920-T-C.
Other names: c.231A>G, p.Ile77Met (NM_001354609.2, NM_001374244.1, NM_001374258.1 and 6 more transcripts); c.75A>G, p.Ile25Met (NM_001378472.1, NM_001378473.1); c.139-15248A>G (NM_001378470.1); short protein forms I25M, I77M.
Identifiers: ClinVar variation 2005332 (VCV002005332.4), dbSNP rs2536569627, ClinGen allele CA369587704.

ClinVar aggregate classification (germline): Uncertain significance (1 of 4 stars; one submission).

Conditions:
RASopathy. Also called: rasopathies; Noonan spectrum disorder. Identifiers: Orphanet 536391, MedGen C5555857, MONDO:0021060.

Submission:

Labcorp Genetics (formerly Invitae), Labcorp
Classification: Uncertain significance for RASopathy. Last evaluated: 2022-06-13. Review status: criteria provided, single submitter. Criteria: Invitae Variant Classification Sherloc (09022015). Collection method: clinical testing. Allele origin: germline.
Comment: In summary, the available evidence is currently insufficient to determine the role of this variant in disease. Therefore, it has been classified as a Variant of Uncertain Significance. Advanced modeling of protein sequence and biophysical properties (such as structural, functional, and spatial information, amino acid conservation, physicochemical variation, residue mobility, and thermodynamic stability) performed at Invitae indicates that this missense variant is not expected to disrupt BRAF protein function. This variant has not been reported in the literature in individuals affected with BRAF-related conditions. This variant is not present in population databases (gnomAD no frequency). This sequence change replaces isoleucine, which is neutral and non-polar, with methionine, which is neutral and non-polar, at codon 77 of the BRAF protein (p.Ile77Met).